The following is an entry in ClinVar:

NM_001267550.2(TTN):c.12741G>A (p.Glu4247=)

Gene: TTN (titin; minus strand). Cytogenetic location: 2q31.2.
Variant type: single nucleotide variant.
Coding change: c.12741G>A on transcript NM_001267550.2 (MANE Select); coding-DNA position 12741, G replaced by A.
Protein change: p.Glu4247=; no amino-acid change (glutamic acid 4247 retained).
Molecular consequence: synonymous variant. On other transcripts: intron variant (1).
Genome position (GRCh38, 1-based): chr2:178,740,492, C>T on the plus strand (G>A on the coding strand, the complement: TTN is on the minus strand). VCF-style: chr2-178740492-C-T. GRCh37 (hg19) VCF-style: chr2-179605219-C-T.
Other names: c.11790G>A, p.Glu3930= (NM_001256850.1); c.11652G>A, p.Glu3884= (NM_003319.4); c.12027G>A, p.Glu4009= (NM_133432.3); c.12228G>A, p.Glu4076= (NM_133437.4); c.10361-2132G>A (NM_133378.4).
Identifiers: ClinVar variation 386833 (VCV000386833.1), dbSNP rs879121745, ClinGen allele CA16604240.

ClinVar aggregate classification (germline): Likely benign (1 of 4 stars; one submission).

Allele frequency attached by ClinVar (database versions not stated): TOPMed below 0.00001; gnomAD exomes 0.00001.
gnomAD v4.1: 12 of 1,613,764 alleles (0.00074%); highest among the groups gnomAD compares: Non-Finnish European, 0.00085%; no homozygotes.

Submission:

GeneDx
Classification: Likely benign. Last evaluated: 2016-06-09. Review status: criteria provided, single submitter. Criteria: GeneDx Variant Classification (06012015). Collection method: clinical testing. Allele origin: germline. Affected: yes.
Comment: This variant is considered likely benign or benign based on one or more of the following criteria: it is a conservative change, it occurs at a poorly conserved position in the protein, it is predicted to be benign by multiple in silico algorithms, and/or has population frequency not consistent with disease.